The following is an entry in ClinVar:

NM_004984.4(KIF5A):c.304G>A (p.Asp102Asn)

Gene: KIF5A (kinesin family member 5A; plus strand). Cytogenetic location: 12q13.3.
Variant type: single nucleotide variant.
Coding change: c.304G>A on transcript NM_004984.4 (MANE Select); coding-DNA position 304, G replaced by A.
Protein change: p.Asp102Asn; replaces aspartic acid 102 with asparagine.
Molecular consequence: missense variant. On other transcripts: intron variant (1).
Genome position (GRCh38, 1-based): chr12:57,564,120, G>A. VCF-style: chr12-57564120-G-A. GRCh37 (hg19) VCF-style: chr12-57957903-G-A.
Other names: c.130-340G>A (NM_001354705.2); short protein forms D102N.
Identifiers: ClinVar variation 3022200 (VCV003022200.3), dbSNP rs1171944114, ClinGen allele CA385494259.
Genomic context (GRCh38, chr12:57,564,120, plus strand): 5'-CATTCTCCCTGAGCCCCAGCTTCACTCTCAAATACCTTCACTCGCCAGGGAAAGCTGCAC[G>A]ACCCTCAGCTGATGGGAATCATTCCTCGAATTGCCCGAGACATCTTCAACCACATCTACT-3'
Protein context (NP_004975.2, residues 92-112): KTHTMEGKLH[Asp102Asn]PQLMGIIPRI

ClinVar aggregate classification (germline): Uncertain significance (1 of 4 stars; one submission).

Conditions:
Spastic paraplegia. Identifiers: MedGen C0037772, HP:0001258.

Allele frequency attached by ClinVar (database versions not stated): gnomAD exomes below 0.00001.
gnomAD v4.1: 5 of 1,613,754 alleles (0.00031%); highest among the groups gnomAD compares: Non-Finnish European, 0.00034%; no homozygotes.

Submission:

Labcorp Genetics (formerly Invitae), Labcorp
Classification: Uncertain significance for Spastic paraplegia. Last evaluated: 2025-05-22. Review status: criteria provided, single submitter. Criteria: Invitae Variant Classification Sherloc (09022015). Collection method: clinical testing. Allele origin: germline.
Comment: This sequence change replaces aspartic acid, which is acidic and polar, with asparagine, which is neutral and polar, at codon 102 of the KIF5A protein (p.Asp102Asn). This variant is present in population databases (no rsID available, gnomAD 0.0009%). This variant has not been reported in the literature in individuals affected with KIF5A-related conditions. ClinVar contains an entry for this variant (Variation ID: 3022200). Invitae Evidence Modeling of protein sequence and biophysical properties (such as structural, functional, and spatial information, amino acid conservation, physicochemical variation, residue mobility, and thermodynamic stability) has been performed for this missense variant. However, the output from this modeling did not meet the statistical confidence thresholds required to predict the impact of this variant on KIF5A protein function. In summary, the available evidence is currently insufficient to determine the role of this variant in disease. Therefore, it has been classified as a Variant of Uncertain Significance.